The following is an entry in ClinVar:

ClinVar aggregate classification (germline): Uncertain significance (1 of 4 stars; one submission).

Conditions:
Hypodontia. Also called: Partial congenital absence of teeth; TOOTH AGENESIS, FAMILIAL; Tooth agenesis, selective. Identifiers: Orphanet 99798, MedGen C0020608, MONDO:0005486, HP:0000668. Disease mechanism: loss of function.

Submission:

Labcorp Genetics (formerly Invitae), Labcorp
Classification: Uncertain significance for Hypodontia. Last evaluated: 2021-04-03. Review status: criteria provided, single submitter. Criteria: Invitae Variant Classification Sherloc (09022015). Collection method: clinical testing. Allele origin: germline.
Comment: This variant is a gross deletion of the genomic region encompassing exon(s) 5 of the PAX9 gene. The 5' boundary is likely confined to intron 4. The 3' end of this event is unknown as it extends through the termination codon beyond the assayed region for this gene and may encompass additional genes. While this deletion is not anticipated to lead to nonsense mediated decay, it is expected to alter mRNA translation or result in a truncated protein product. This variant has been observed in individual(s) with clinical features of tooth agenesis (Invitae). Experimental studies and prediction algorithms are not available or were not evaluated, and the functional significance of this variant is currently unknown. This variant disrupts the C-terminus of the PAX9 protein. Other variant(s) that disrupt this region (p.Val265Argfs*52) have been observed in individuals with PAX9-related conditions (PMID: 11827258). This suggests that this may be a clinically significant region of the protein. In summary, the available evidence is currently insufficient to determine the role of this variant in disease. Therefore, it has been classified as a Variant of Uncertain Significance.

Literature cited by the submitters: PubMed 11827258.

NC_000014.8:g.(?_37145383)_(37641555_?)del

Genes: PAX9 (paired box 9; plus strand), SLC25A21 (solute carrier family 25 member 21; minus strand). Cytogenetic location: 14q13.3.
Variant type: Deletion.
Identifiers: ClinVar variation 2425522 (VCV002425522.3).